The following is an entry in ClinVar:

NM_007137.5(ZNF81):c.1405C>G (p.Pro469Ala)

Gene: ZNF81 (zinc finger protein 81; plus strand). Cytogenetic location: Xp11.23.
Variant type: single nucleotide variant.
Coding change: c.1405C>G on transcript NM_007137.5 (MANE Select); coding-DNA position 1405, C replaced by G.
Protein change: p.Pro469Ala; replaces proline 469 with alanine.
Molecular consequence: missense variant. On other transcripts: intron variant (2).
Genome position (GRCh38, 1-based): chrX:47,916,051, C>G. VCF-style: chrX-47916051-C-G. GRCh37 (hg19) VCF-style: chrX-47775450-C-G.
Other names: c.1405C>G, p.Pro469Ala (NM_001378152.1, NM_001378153.1); c.278-7873C>G (NM_001378154.1); c.278-5257C>G (NM_001378155.1); short protein forms P469A.
Identifiers: ClinVar variation 5020291 (VCV005020291.1).

ClinVar aggregate classification (germline): Uncertain significance (1 of 4 stars; one submission).

gnomAD v4.1: 1 of 1,209,538 alleles (0.000083%); highest among the groups gnomAD compares: African/African-American, 0.0018%; no homozygotes.

Submission:

Dasa
Classification: Uncertain significance. Last evaluated: 2026-06-27. Review status: criteria provided, single submitter. Criteria: DASA Assertion Criteria. Collection method: clinical testing. Allele origin: germline.
Comment: NM_007137.5(ZNF81):c.1405C>G (p.Pro469Ala) is a missense variant that results in the substitution of proline with alanine. This variant is rare in population databases. The currently available literature and clinical evidence are not sufficient to establish a definitive association between this variant and the reported condition. Therefore, this variant is classified as a variant of uncertain significance.